The following is an entry in ClinVar:

NM_001193315.2(VIPAS39):c.775C>T (p.Arg259Ter)

Gene: VIPAS39 (VPS33B interacting protein, apical-basolateral polarity regulator, spe-39 homolog; minus strand). Cytogenetic location: 14q24.3.
Variant type: single nucleotide variant.
Coding change: c.775C>T on transcript NM_001193315.2 (MANE Select); coding-DNA position 775, C replaced by T.
Protein change: p.Arg259Ter; replaces arginine 259 with a stop codon.
Molecular consequence: nonsense. On other transcripts: non-coding transcript variant (1), intron variant (2).
Genome position (GRCh38, 1-based): chr14:77,437,869, G>A on the plus strand (C>T on the coding strand, the complement: VIPAS39 is on the minus strand). VCF-style: chr14-77437869-G-A. GRCh37 (hg19) VCF-style: chr14-77904212-G-A.
Other names: c.775C>T, p.Arg259Ter (NM_001193314.2, NM_001193317.2, NM_001400326.1 and 6 more transcripts); c.628C>T, p.Arg210Ter (NM_001193316.2, NM_001400324.1, NM_001400325.1); c.742C>T, p.Arg248Ter (NM_001400327.1); c.682C>T, p.Arg228Ter (NM_001400333.1, NM_001400334.1); c.535C>T, p.Arg179Ter (NM_001400337.1); c.735-1950C>T (NM_001400338.1); c.762+3197C>T (NM_001400339.1); c.775C>T (NM_022067.3); short protein forms R210*, R248*, R228*, R179*, R259*.
Identifiers: ClinVar variation 2996058 (VCV002996058.4), dbSNP rs143865789, ClinGen allele CA7287962.
Genomic context (GRCh38, chr14:77,437,869, plus strand): 5'-CAACACAGGTTTTAAGAAATTCTTTTCGTTTGTCAGGGTCCTGAATGTTCAAATGCTCTC[G>A]ATAATGAGATAGCTACAAAAAGCAGAAAAAGGCTTTGAGGTATTTTGTCTCCTTAGATGA-3'

ClinVar aggregate classification (germline): Conflicting classifications of pathogenicity. Review status: criteria provided, conflicting classifications (1 of 4 stars). 2 submissions from 2 submitters: Pathogenic (1); Uncertain significance (1). Last evaluated 2024-09-05.

Allele frequency attached by ClinVar (database versions not stated): gnomAD 0.00001; TOPMed 0.00001; ExAC 0.00002; ESP Exome Variant Server 0.00008.
gnomAD v4.1: 22 of 1,613,856 alleles (0.0014%); highest among the groups gnomAD compares: Non-Finnish European, 0.00051%; no homozygotes.

Submissions (2):

GeneDx
Classification: Uncertain significance. Last evaluated: 2024-09-05. Review status: criteria provided, single submitter. Criteria: GeneDx Variant Classification Process June 2021. Collection method: clinical testing. Allele origin: germline. Affected: yes.
Comment: Nonsense variant predicted to result in protein truncation or nonsense mediated decay in a gene for which loss of function is a known mechanism of disease; Has not been previously published as pathogenic or benign to our knowledge

Labcorp Genetics (formerly Invitae), Labcorp
Classification: Pathogenic. Last evaluated: 2023-11-02. Review status: criteria provided, single submitter. Criteria: Invitae Variant Classification Sherloc (09022015). Collection method: clinical testing. Allele origin: germline.
Comment: This sequence change creates a premature translational stop signal (p.Arg259*) in the VIPAS39 gene. It is expected to result in an absent or disrupted protein product. Loss-of-function variants in VIPAS39 are known to be pathogenic (PMID: 20190753, 22753090). This variant is present in population databases (rs143865789, gnomAD 0.03%). This variant has not been reported in the literature in individuals affected with VIPAS39-related conditions. For these reasons, this variant has been classified as Pathogenic.

Literature cited by the submitters: PubMed 20190753 (cited by Labcorp Genetics (formerly Invitae), Labcorp); PubMed 22753090 (cited by Labcorp Genetics (formerly Invitae), Labcorp).